The following is an entry in ClinVar:

NM_052947.4(ALPK2):c.403G>A (p.Glu135Lys)

Gene: ALPK2 (alpha kinase 2; minus strand). Cytogenetic location: 18q21.31.
Variant type: single nucleotide variant.
Coding change: c.403G>A on transcript NM_052947.4 (MANE Select); coding-DNA position 403, G replaced by A.
Protein change: p.Glu135Lys; replaces glutamic acid 135 with lysine.
Molecular consequence: missense variant.
Genome position (GRCh38, 1-based): chr18:58,580,373, C>T on the plus strand (G>A on the coding strand, the complement: ALPK2 is on the minus strand). VCF-style: chr18-58580373-C-T. GRCh37 (hg19) VCF-style: chr18-56247605-C-T.
Other names: short protein forms E135K.
Identifiers: ClinVar variation 1737273 (VCV001737273.2), dbSNP rs2518900303, ClinGen allele CA402568053.

ClinVar aggregate classification (germline): Uncertain significance (1 of 4 stars; one submission).

Submission:

Ambry Genetics
Classification: Uncertain significance. Last evaluated: 2022-02-05. Review status: criteria provided, single submitter. Criteria: Ambry Variant Classification Scheme 2023. Collection method: clinical testing. Allele origin: germline.
Comment: The p.E135K variant (also known as c.403G>A), located in coding exon 3 of the ALPK2 gene, results from a G to A substitution at nucleotide position 403. The glutamic acid at codon 135 is replaced by lysine, an amino acid with similar properties. This amino acid position is conserved. In addition, this alteration is predicted to be tolerated by in silico analysis. Since supporting evidence is limited at this time, the clinical significance of this alteration remains unclear.